The following is an entry in ClinVar:

ClinVar aggregate classification (germline): Uncertain significance (1 of 4 stars; one submission).

gnomAD v4.1: 1 of 1,608,796 alleles (0.000062%); highest among the groups gnomAD compares: African/African-American, 0.0013%; no homozygotes.

Submission:

Women's Health and Genetics/Laboratory Corporation of America, LabCorp
Classification: Uncertain significance. Last evaluated: 2024-09-10. Review status: criteria provided, single submitter. Criteria: LabCorp Variant Classification Summary - May 2015. Collection method: clinical testing. Allele origin: germline.
Comment: Variant summary: KCNT1 c.2263C>T (p.Pro755Ser) results in a non-conservative amino acid change in the encoded protein sequence. Four of five in-silico tools predict a damaging effect of the variant on protein function. The variant was absent in 246738 control chromosomes. The available data on variant occurrences in the general population are insufficient to allow any conclusion about variant significance. To our knowledge, no occurrence of c.2263C>T in individuals affected with Developmental And Epileptic Encephalopathy, 14 and no experimental evidence demonstrating its impact on protein function have been reported. No submitters have cited clinical-significance assessments for this variant to ClinVar. Based on the evidence outlined above, the variant was classified as uncertain significance.

NM_020822.3(KCNT1):c.2263C>T (p.Pro755Ser)

Gene: KCNT1 (potassium sodium-activated channel subfamily T member 1; plus strand). Cytogenetic location: 9q34.3.
Variant type: single nucleotide variant.
Coding change: c.2263C>T on transcript NM_020822.3 (MANE Select); coding-DNA position 2263, C replaced by T.
Protein change: p.Pro755Ser; replaces proline 755 with serine.
Molecular consequence: missense variant.
Genome position (GRCh38, 1-based): chr9:135,775,329, C>T. VCF-style: chr9-135775329-C-T. GRCh37 (hg19) VCF-style: chr9-138667175-C-T.
Other names: c.2128C>T, p.Pro710Ser (NM_001272003.2); short protein forms P710S, P755S.
Identifiers: ClinVar variation 3374942 (VCV003374942.1).